The following is an entry in ClinVar:

ClinVar aggregate classification (germline): Uncertain significance. Review status: criteria provided, multiple submitters, no conflicts (2 of 4 stars). 2 submissions from 2 submitters: Uncertain significance (2). Last evaluated 2020-01-30.

Allele frequency attached by ClinVar (database versions not stated): gnomAD exomes below 0.00001; ExAC 0.00001.

Submissions (2):

Labcorp Genetics (formerly Invitae), Labcorp
Classification: Uncertain significance. Last evaluated: 2020-01-30. Review status: criteria provided, single submitter. Criteria: Invitae Variant Classification Sherloc (09022015). Collection method: clinical testing. Allele origin: germline.
Comment: In summary, the available evidence is currently insufficient to determine the role of this variant in disease. Therefore, it has been classified as a Variant of Uncertain Significance. Algorithms developed to predict the effect of missense changes on protein structure and function (SIFT, PolyPhen-2, Align-GVGD) all suggest that this variant is likely to be disruptive, but these predictions have not been confirmed by published functional studies and their clinical significance is uncertain. This variant has not been reported in the literature in individuals with WHRN-related conditions. This variant is present in population databases (rs781538079, ExAC 0.01%). This sequence change replaces glutamic acid with glycine at codon 831 of the WHRN protein (p.Glu831Gly). The glutamic acid residue is highly conserved and there is a moderate physicochemical difference between glutamic acid and glycine.

GeneDx
Classification: Uncertain significance. Last evaluated: 2019-07-26. Review status: criteria provided, single submitter. Criteria: GeneDx Variant Classification Process June 2021. Collection method: clinical testing. Allele origin: germline. Affected: yes.
Comment: Not observed at a significant frequency in large population cohorts (Lek et al., 2016); In silico analysis, which includes protein predictors and evolutionary conservation, supports a deleterious effect; Has not been previously published as pathogenic or benign to our knowledge; This variant is associated with the following publications: (PMID: 30733538)

NM_015404.4(WHRN):c.2492A>G (p.Glu831Gly)

Gene: WHRN (whirlin; minus strand). Cytogenetic location: 9q32.
Variant type: single nucleotide variant.
Coding change: c.2492A>G on transcript NM_015404.4 (MANE Select); coding-DNA position 2492, A replaced by G.
Protein change: p.Glu831Gly; replaces glutamic acid 831 with glycine.
Molecular consequence: missense variant.
Genome position (GRCh38, 1-based): chr9:114,403,266, T>C on the plus strand (A>G on the coding strand, the complement: WHRN is on the minus strand). VCF-style: chr9-114403266-T-C. GRCh37 (hg19) VCF-style: chr9-117165546-T-C.
Other names: c.1343A>G, p.Glu448Gly (NM_001083885.3); c.2489A>G, p.Glu830Gly (NM_001173425.2); c.1439A>G, p.Glu480Gly (NM_001346890.1); short protein forms E448G, E480G, E830G, E831G.
Identifiers: ClinVar variation 1004539 (VCV001004539.10), dbSNP rs781538079, ClinGen allele CA5205612.